The following is an entry in ClinVar:

NM_003560.4(PLA2G6):c.1666G>T (p.Glu556Ter)

Gene: PLA2G6 (phospholipase A2 group VI; minus strand). Cytogenetic location: 22q13.1.
Variant type: single nucleotide variant.
Coding change: c.1666G>T on transcript NM_003560.4 (MANE Select); coding-DNA position 1666, G replaced by T.
Protein change: p.Glu556Ter; replaces glutamic acid 556 with a stop codon.
Molecular consequence: nonsense.
Genome position (GRCh38, 1-based): chr22:38,120,835, C>A on the plus strand (G>T on the coding strand, the complement: PLA2G6 is on the minus strand). VCF-style: chr22-38120835-C-A. GRCh37 (hg19) VCF-style: chr22-38516842-C-A.
Other names: c.1504G>T, p.Glu502Ter (NM_001004426.3, NM_001199562.3, NM_001349865.2 and 1 more transcripts); c.1666G>T, p.Glu556Ter (NM_001349864.2); c.1132G>T, p.Glu378Ter (NM_001349867.2); c.988G>T, p.Glu330Ter (NM_001349868.2); c.970G>T, p.Glu324Ter (NM_001349869.2); short protein forms E556*, E378*, E502*, E324*, E330*.
Identifiers: ClinVar variation 2862124 (VCV002862124.3), dbSNP rs777259654, ClinGen allele CA10230780.
Genomic context (GRCh38, chr22:38,120,835, plus strand): 5'-CCGTCATCTTGGTGTGCTCCCCAAACTCCCGCTTCAGGAACTCCTCCAGGGGCCCCGACT[C>A]GTAGGGCCTGGAGCCCCGGAACACCTCATCCTTCATGCGAAAGTACATGCCGCGCATGTA-3'

ClinVar aggregate classification (germline): Pathogenic (1 of 4 stars; one submission).

Conditions:
Infantile neuroaxonal dystrophy (NBIA2A). Also called: NEURODEGENERATION WITH BRAIN IRON ACCUMULATION 2A; SEITELBERGER DISEASE; Infantile neuroaxonal dystrophy 1. Identifiers: Orphanet 35069, MedGen C0270724, MONDO:0024457, OMIM 256600.

gnomAD v4.1: 2 of 1,613,932 alleles (0.00012%); highest among the groups gnomAD compares: East Asian, 0.0022%; no homozygotes.

Submission:

Labcorp Genetics (formerly Invitae), Labcorp
Classification: Pathogenic for Infantile neuroaxonal dystrophy. Last evaluated: 2023-05-05. Review status: criteria provided, single submitter. Criteria: Invitae Variant Classification Sherloc (09022015). Collection method: clinical testing. Allele origin: germline.
Comment: For these reasons, this variant has been classified as Pathogenic. This variant has not been reported in the literature in individuals affected with PLA2G6-related conditions. This variant is present in population databases (rs777259654, gnomAD 0.006%). This sequence change creates a premature translational stop signal (p.Glu556*) in the PLA2G6 gene. It is expected to result in an absent or disrupted protein product. Loss-of-function variants in PLA2G6 are known to be pathogenic (PMID: 16783378, 18570303, 18799783, 22213678).

Literature cited by the submitters: PubMed 16783378; PubMed 18570303; PubMed 18799783; PubMed 22213678.